The following is an entry in ClinVar:

NM_001110556.2(FLNA):c.6215C>T (p.Thr2072Ile)

Gene: FLNA (filamin A; minus strand). Cytogenetic location: Xq28.
Variant type: single nucleotide variant.
Coding change: c.6215C>T on transcript NM_001110556.2 (MANE Select); coding-DNA position 6215, C replaced by T.
Protein change: p.Thr2072Ile; replaces threonine 2072 with isoleucine.
Molecular consequence: missense variant.
Genome position (GRCh38, 1-based): chrX:154,353,012, G>A on the plus strand (C>T on the coding strand, the complement: FLNA is on the minus strand). VCF-style: chrX-154353012-G-A. GRCh37 (hg19) VCF-style: chrX-153581380-G-A.
Other names: c.6191C>T, p.Thr2064Ile (NM_001456.4); short protein forms T2072I, T2064I.
Identifiers: ClinVar variation 2934145 (VCV002934145.4), dbSNP rs2067633067, ClinGen allele CA415195021.
Genomic context (GRCh38, chrX:154,353,012, plus strand): 5'-GTGCTATGCACAGTGCTCCCGCCCCAGCTGGTGGGCAGCCACTGCCTACCTGCATCGCGG[G>A]TATCAATGATAAACTCTGCAGGCTCAAAGGTGTGGCCTTCGTGAAGGCCCTGACCAGAGA-3'
Protein context (NP_001104026.1, residues 2062-2082): TFEPAEFIID[Thr2072Ile]RDAGYGGLSL

ClinVar aggregate classification (germline): Uncertain significance. Review status: criteria provided, multiple submitters, no conflicts (2 of 4 stars). 2 submissions from 2 submitters: Uncertain significance (2). Last evaluated 2024-09-23.

Conditions:
Melnick-Needles syndrome (MNS). Also called: MELNICK-NEEDLES OSTEODYSPLASTY; OSTEODYSPLASTY OF MELNICK AND NEEDLES; Melnick-Needles Syndrome (FLNA-MNS). Identifiers: Orphanet 2484, MedGen C0025237, MONDO:0010650, OMIM 309350.
Frontometaphyseal dysplasia (FMD1). Identifiers: Orphanet 1826, MedGen C0265293, MONDO:0015942.
Oto-palato-digital syndrome, type II (OPD2). Also called: FACIOPALATOOSSEOUS SYNDROME; Otopalatodigital Syndrome, Type II; OPD II SYNDROME; Otopalatodigital Syndrome Type 2 (FLNA-OPD2). Identifiers: Orphanet 669, Orphanet 90652, MedGen C1844696, MONDO:0010571, OMIM 304120.
Heterotopia, periventricular, X-linked dominant (PVNH1). Also called: PERIVENTRICULAR NODULAR HETEROTOPIA 4; HETEROTOPIA, PERIVENTRICULAR, 1; PERIVENTRICULAR NODULAR HETEROTOPIA 1; X-linked periventricular heterotopia. Identifiers: Orphanet 2149, Orphanet 82004, MedGen C1848213, MONDO:0010233, OMIM 300049.

Allele frequency attached by ClinVar (database versions not stated): TOPMed below 0.00001.
gnomAD v4.1: 7 of 1,211,414 alleles (0.00058%); highest among the groups gnomAD compares: South Asian, 0.0018%; no homozygotes.

Submissions (2):

Labcorp Genetics (formerly Invitae), Labcorp
Classification: Uncertain significance for Oto-palato-digital syndrome, type II; Heterotopia, periventricular, X-linked dominant; Frontometaphyseal dysplasia; Melnick-Needles syndrome. Last evaluated: 2024-09-23. Review status: criteria provided, single submitter. Criteria: Invitae Variant Classification Sherloc (09022015). Collection method: clinical testing. Allele origin: germline.
Comment: This sequence change replaces threonine, which is neutral and polar, with isoleucine, which is neutral and non-polar, at codon 2064 of the FLNA protein (p.Thr2064Ile). This variant is not present in population databases (gnomAD no frequency). This variant has not been reported in the literature in individuals affected with FLNA-related conditions. Invitae Evidence Modeling of protein sequence and biophysical properties (such as structural, functional, and spatial information, amino acid conservation, physicochemical variation, residue mobility, and thermodynamic stability) indicates that this missense variant is not expected to disrupt FLNA protein function with a negative predictive value of 95%. In summary, the available evidence is currently insufficient to determine the role of this variant in disease. Therefore, it has been classified as a Variant of Uncertain Significance.

Blueprint Genetics
Classification: Uncertain significance. Last evaluated: 2022-10-26. Review status: criteria provided, single submitter. Criteria: ACMG Guidelines, 2015. Collection method: clinical testing. Allele origin: germline.